The following is an entry in ClinVar:

ClinVar aggregate classification (germline): Uncertain significance (1 of 4 stars; one submission).

Conditions:
Anauxetic dysplasia. Identifiers: Orphanet 93347, MedGen C1846796, MONDO:0011773.

Submission:

Labcorp Genetics (formerly Invitae), Labcorp
Classification: Uncertain significance for Anauxetic dysplasia. Last evaluated: 2026-01-24. Review status: criteria provided, single submitter. Criteria: Invitae Variant Classification Sherloc (09022015). Collection method: clinical testing. Allele origin: germline.
Comment: This variant occurs in the RMRP gene, which encodes an RNA molecule that does not result in a protein product. This variant is not present in population databases (gnomAD no frequency). This variant has not been reported in the literature in individuals affected with RMRP-related conditions. In summary, the available evidence is currently insufficient to determine the role of this variant in disease. Therefore, it has been classified as a Variant of Uncertain Significance.

NC_000009.12:g.35658100G>C

Gene: RMRP (RNA component of mitochondrial RNA processing endoribonuclease; minus strand). Cytogenetic location: 9p13.3.
Variant type: single nucleotide variant.
Genome position: GRCh38 VCF-style: chr9-35658100-G-C. GRCh37 (hg19) VCF-style: chr9-35658097-G-C.
Identifiers: ClinVar variation 4717264 (VCV004717264.1).
Genomic context (GRCh38, chr9:35,658,100, plus strand): 5'-AGTATTTTATAGCCCTAAAGAAATTGTGTTTTATGATTAGGGTGAGAAAGTTGGTGGCGT[G>C]AGATTAAAAAAACCGTTTTCGGGCATAACTTTCTAAGACTATAGGCTTTCAGAGGCATTG-3'